The following is an entry in ClinVar:

NM_007194.4(CHEK2):c.283C>G (p.Arg95Gly)

Gene: CHEK2 (checkpoint kinase 2; minus strand). Cytogenetic location: 22q12.1.
Variant type: single nucleotide variant.
Coding change: c.283C>G on transcript NM_007194.4 (MANE Select); coding-DNA position 283, C replaced by G.
Protein change: p.Arg95Gly; replaces arginine 95 with glycine.
Molecular consequence: missense variant.
Genome position (GRCh38, 1-based): chr22:28,734,439, G>C on the plus strand (C>G on the coding strand, the complement: CHEK2 is on the minus strand). VCF-style: chr22-28734439-G-C. GRCh37 (hg19) VCF-style: chr22-29130427-G-C.
Other names: c.283C>G, p.Arg95Gly (NM_001005735.3, NM_001349956.3, NM_145862.3); c.-495C>G (NM_001257387.3); short protein forms R95G.
Identifiers: ClinVar variation 574405 (VCV000574405.15), dbSNP rs587781269, ClinGen allele CA411090378.

ClinVar aggregate classification (germline): Uncertain significance. Review status: criteria provided, multiple submitters, no conflicts (2 of 4 stars). 3 submissions from 3 submitters: Uncertain significance (3). Last evaluated 2025-02-11.

Conditions:
Hereditary cancer-predisposing syndrome. Also called: Hereditary neoplastic syndrome; Neoplastic Syndromes, Hereditary; Hereditary Cancer Syndrome; Tumor predisposition. Identifiers: Orphanet 140162, MedGen C0027672, MeSH D009386, MONDO:0015356.
Familial cancer of breast. Also called: hereditary breast carcinoma; BREAST CANCER, FAMILIAL; Hereditary breast cancer. Identifiers: Orphanet 227535, MedGen C0346153, MONDO:0016419, OMIM 114480. Disease mechanism: loss of function.

Submissions (3):

Labcorp Genetics (formerly Invitae), Labcorp
Classification: Uncertain significance for Familial cancer of breast. Last evaluated: 2025-02-11. Review status: criteria provided, single submitter. Criteria: Invitae Variant Classification Sherloc (09022015). Collection method: clinical testing. Allele origin: germline.
Comment: This sequence change replaces arginine, which is basic and polar, with glycine, which is neutral and non-polar, at codon 95 of the CHEK2 protein (p.Arg95Gly). This variant is not present in population databases (gnomAD no frequency). This missense change has been observed in individual(s) with breast cancer (PMID: 30303537). ClinVar contains an entry for this variant (Variation ID: 574405). An algorithm developed to predict the effect of missense changes on protein structure and function (PolyPhen-2) suggests that this variant is likely to be disruptive. In summary, the available evidence is currently insufficient to determine the role of this variant in disease. Therefore, it has been classified as a Variant of Uncertain Significance.

Blueprint Genetics
Classification: Uncertain significance. Last evaluated: 2023-10-27. Review status: criteria provided, single submitter. Criteria: ACMG Guidelines, 2015. Collection method: clinical testing. Allele origin: germline.

Ambry Genetics
Classification: Uncertain significance for Hereditary cancer-predisposing syndrome. Last evaluated: 2019-02-12. Review status: criteria provided, single submitter. Criteria: Ambry Variant Classification Scheme 2023. Collection method: clinical testing. Allele origin: germline.
Comment: The p.R95G variant (also known as c.283C>G), located in coding exon 1 of the CHEK2 gene, results from a C to G substitution at nucleotide position 283. The arginine at codon 95 is replaced by glycine, an amino acid with dissimilar properties. This amino acid position is highly conserved in available vertebrate species. In addition, this alteration is predicted to be deleterious by in silico analysis. Since supporting evidence is limited at this time, the clinical significance of this alteration remains unclear.

Literature cited by the submitters: PubMed 30303537 (cited by Labcorp Genetics (formerly Invitae), Labcorp).